The following is an entry in ClinVar:

NM_000518.5(HBB):c.45dup (p.Trp16fs)

Genes: HBB (hemoglobin subunit beta; minus strand), LOC106099062 (HBB recombination region; plus strand), LOC107133510 (origin of replication at HBB; plus strand). Cytogenetic location: 11p15.4.
Variant type: Duplication.
Coding change: c.45dup on transcript NM_000518.5 (MANE Select); coding-DNA position 45, one base duplicated (G; older notation c.45dupG).
Protein change: p.Trp16fs; shifts the reading frame from tryptophan 16.
Molecular consequence: frameshift variant.
Genome position (GRCh38, 1-based): chr11:5,226,977, C duplicated on the plus strand (G on the coding strand, the reverse complement: HBB is on the minus strand). VCF-style (leftmost placement, unchanged base first): chr11-5226976-A-AC. GRCh37 (hg19) VCF-style: chr11-5248206-A-AC.
Other names: CD 14/15 (+G); c.45dupG (NM_000518.4, NM_000518.5); c.45dup (NM_000518.4); short protein forms W16fs.
Identifiers: ClinVar variation 15426 (VCV000015426.19), dbSNP rs35383398, ClinGen allele CA125292.

ClinVar aggregate classification (germline): Pathogenic. Review status: criteria provided, multiple submitters, no conflicts (2 of 4 stars). 7 submissions from 7 submitters: Pathogenic (5). 2 of the submissions do not count toward it. Last evaluated 2025-07-27.

Conditions:
Beta-thalassemia HBB/LCRB. Identifiers: MedGen CN322236, MONDO:0013517, OMIM 613985.
Dominant beta-thalassemia. Also called: Beta-thalassemia, dominant inclusion body type. Identifiers: Orphanet 231226, Orphanet 848, MedGen C1858990, MONDO:0011381, OMIM 603902.
Erythrocytosis, familial, 6. Also called: ERYTHROCYTOSIS, BETA-GLOBIN TYPE; POLYCYTHEMIA, BETA-GLOBIN TYPE. Identifiers: MedGen C4693822, MONDO:0054801, OMIM 617980.
Malaria, susceptibility to. Identifiers: Orphanet 673, MedGen C1970028, MONDO:0021024, OMIM 611162.
Hereditary persistence of fetal hemoglobin. Identifiers: MedGen C0019025, MONDO:0020989, OMIM 141749.
METHEMOGLOBINEMIA, BETA TYPE. Also called: Methemoglobinemia, beta-globin type. Identifiers: MedGen C1840779, OMIM 617971.
Heinz body anemia. Also called: Heinz body hemolytic anemia. Identifiers: Orphanet 178330, MedGen C0700299, MONDO:0007705, OMIM 140700, HP:0005511.
Hb SS disease (SCD). Also called: Hemoglobin SS; Sickle cell disease; HbS disease; Hemoglobin S Disease; Sickling disorder due to hemoglobin S; Sickle cell anemia. Identifiers: Orphanet 232, Orphanet 275752, MedGen C0002895, MONDO:0011382, OMIM 603903.
Hemoglobinopathy. Also called: Hemoglobin disorder; Haemoglobinopathies. Identifiers: MedGen C0019045, MONDO:0044348.
beta Thalassemia (BTHAL). Also called: Cooley's anemia; Erythroblastic anemia; Mediterranean anemia. Identifiers: Orphanet 848, MedGen C0005283, MONDO:0019402. Disease mechanism: loss of function.
Beta zero thalassemia. Identifiers: MedGen C0271980.

Allele frequency attached by ClinVar (database versions not stated): gnomAD exomes below 0.00001.

Submissions (7):

Natera, Inc.
Classification: Pathogenic for Beta thalassemia. Last evaluated: 2025-07-27. Review status: criteria provided, single submitter. Criteria: Natera Variant Classification Schema (03/2026). Collection method: clinical testing. Allele origin: germline.
Comment: The c.45dupG variant in HBB is a frameshift variant predicted to shift the reading frame beginning at codon 16 and leads to a stop codon 8 codons downstream. This variant is expected to result in nonsense mediated decay, truncation, or a dysfunctional protein product. This variant is rare in the general population with a frequency below the threshold expected for the associated phenotype(s). This variant has been observed in one or more individuals affected with the associated recessive disease, as either homozygous or compound heterozygous with a second variant (PMID: 36226750, 16126871). Given the available evidence, this variant is classified as Pathogenic.

Quest Diagnostics Nichols Institute San Juan Capistrano
Classification: Pathogenic. Last evaluated: 2023-10-05. Review status: criteria provided, single submitter. Criteria: Quest Diagnostics criteria. Collection method: clinical testing. Allele origin: unknown.
Comment: The HBB c.45dup (p.Trp16Valfs*8) variant alters the translational reading frame of the HBB mRNA and causes the premature termination of HBB protein synthesis. This variant has been reported in the published literature in individuals with beta-thalassemia (PMID: 2901867 (1988), 10815781 (2000), 28671035 (2017)) and has also been detected in fetal samples during prenatal screening (PMID: 33092414 (2020)). This variant is associated with beta (0)-thalassemia (see ITHANET and HbVar) and has been reported to co-occur with a beta (0)-thalassemia variant on the other allele in transfusion-dependent beta-thalassemia patients (PMID: 2901867 (1988)). The frequency of this variant in the general population, 0.000004 (1/251224 chromosomes (Genome Aggregation Database)), is consistent with pathogenicity. Based on the available information, this variant is classified as pathogenic

Labcorp Genetics (formerly Invitae), Labcorp
Classification: Pathogenic. Last evaluated: 2023-06-27. Review status: criteria provided, single submitter. Criteria: Invitae Variant Classification Sherloc (09022015). Collection method: clinical testing. Allele origin: germline.
Comment: For these reasons, this variant has been classified as Pathogenic. ClinVar contains an entry for this variant (Variation ID: 15426). This variant is also known as insertion of G between codon 14/15 or c.45_46insG. This premature translational stop signal has been observed in individual(s) with autosomal recessive beta-thalassemia (PMID: 2901867, 28671035, 33092414). This variant is present in population databases (rs35383398, gnomAD 0.006%). This sequence change creates a premature translational stop signal (p.Trp16Valfs*8) in the HBB gene. It is expected to result in an absent or disrupted protein product. Loss-of-function variants in HBB are known to be pathogenic (PMID: 23637309).

Women's Health and Genetics/Laboratory Corporation of America, LabCorp
Classification: Pathogenic for Hemoglobinopathy. Last evaluated: 2018-05-04. Review status: criteria provided, single submitter. Criteria: LabCorp Variant Classification Summary - May 2015. Collection method: clinical testing. Allele origin: germline.
Comment: Variant summary: HBB c.45dupG (p.Trp16ValfsX8) results in a premature termination codon, predicted to cause a truncation of the encoded protein or absence of the protein due to nonsense mediated decay, which are commonly known mechanisms for disease. Truncations downstream of this position have been classified as pathogenic by our laboratory (e.g., p.Lys18fsX2 and p.Glu27X). The variant allele was found at a frequency of 4.1e-06 in 245968 control chromosomes. c.45dupG has been reported in the literature in multiple individuals affected with Beta Thalassemia and is referred to in the literature as a common Chinese mutation (Chan_1988, Lin_2014). These data indicate that the variant is very likely to be associated with disease. To our knowledge, no experimental evidence demonstrating an impact on protein function has been reported. No clinical diagnostic laboratories have submitted clinical-significance assessments for this variant to ClinVar after 2014. Based on the evidence outlined above, the variant was classified as pathogenic.

Juno Genomics, Hangzhou Juno Genomics, Inc
Classification: Pathogenic for Malaria, susceptibility to; Hereditary persistence of fetal hemoglobin; Erythrocytosis, familial, 6; Heinz body anemia; METHEMOGLOBINEMIA, BETA TYPE; Hb SS disease; Dominant beta-thalassemia; Beta-thalassemia HBB/LCRB. Review status: criteria provided, single submitter. Criteria: ACMG Guidelines, 2015. Collection method: clinical testing. Allele origin: germline.
Comment: Absent from controls (or at extremely low frequency if recessive) in Genome Aggregation Database.;Null variant in a gene where loss of function (LOF) is a known mechanism of disease.;For recessive disorders, detected in trans with a pathogenic variant.

The ITHANET community portal, The Cyprus Institute of Neurology and Genetics
Classification: Pathogenic for beta Thalassemia. Last evaluated: 2019-11-25. Review status: no assertion criteria provided. Collection method: curation. Allele origin: germline. Not counted in ClinVar's aggregate classification.

OMIM
Classification: Pathogenic for BETA-ZERO-THALASSEMIA. Last evaluated: 1988-10-01. Review status: no assertion criteria provided. Collection method: literature only. Allele origin: germline. Not counted in ClinVar's aggregate classification.

Literature cited by the submitters: PubMed 36226750 (cited by Natera, Inc.); PubMed 16126871 (cited by Natera, Inc.); PubMed 2901867 (cited by 5 submitters); PubMed 25089872 (cited by Quest Diagnostics Nichols Institute San Juan Capistrano and Women's Health and Genetics/Laboratory Corporation of America, LabCorp); PubMed 33092414 (cited by Quest Diagnostics Nichols Institute San Juan Capistrano and Labcorp Genetics (formerly Invitae), Labcorp); PubMed 10815781 (cited by Quest Diagnostics Nichols Institute San Juan Capistrano and Women's Health and Genetics/Laboratory Corporation of America, LabCorp); PubMed 28671035 (cited by Quest Diagnostics Nichols Institute San Juan Capistrano and Labcorp Genetics (formerly Invitae), Labcorp); PubMed 23637309 (cited by Labcorp Genetics (formerly Invitae), Labcorp); PubMed 18339318 (cited by Women's Health and Genetics/Laboratory Corporation of America, LabCorp).